The following is an entry in ClinVar:

ClinVar aggregate classification (germline): Likely benign (0 of 4 stars; one submission).

Conditions:
SLC36A2-related disorder. Also called: SLC36A2-related condition.

Allele frequency attached by ClinVar (database versions not stated): gnomAD 0.00001; gnomAD exomes 0.00001; ExAC 0.00002; TOPMed 0.00002.
gnomAD v4.1: 24 of 1,609,600 alleles (0.0015%); highest among the groups gnomAD compares: South Asian, 0.011%; 1 homozygote.

Submission:

PreventionGenetics, part of Exact Sciences
Classification: Likely benign for SLC36A2-related condition. Last evaluated: 2019-05-15. Review status: no assertion criteria provided. Collection method: clinical testing. Allele origin: germline.
Comment: This variant is classified as likely benign based on ACMG/AMP sequence variant interpretation guidelines (Richards et al. 2015 PMID: 25741868, with internal and published modifications).

NM_181776.3(SLC36A2):c.471C>T (p.Thr157=)

Gene: SLC36A2 (solute carrier family 36 member 2; minus strand). Cytogenetic location: 5q33.1.
Variant type: single nucleotide variant.
Coding change: c.471C>T on transcript NM_181776.3 (MANE Select); coding-DNA position 471, C replaced by T.
Protein change: p.Thr157=; no amino-acid change (threonine 157 retained).
Molecular consequence: synonymous variant.
Genome position (GRCh38, 1-based): chr5:151,339,114, G>A on the plus strand (C>T on the coding strand, the complement: SLC36A2 is on the minus strand). VCF-style: chr5-151339114-G-A. GRCh37 (hg19) VCF-style: chr5-150718675-G-A.
Identifiers: ClinVar variation 3042205 (VCV003042205.2), dbSNP rs776428086, ClinGen allele CA3518873.